The following is an entry in ClinVar:

ClinVar aggregate classification (germline): Pathogenic. Review status: criteria provided, multiple submitters, no conflicts (2 of 4 stars). 2 submissions from 2 submitters: Pathogenic (2). Last evaluated 2026-01-23.

Conditions:
Corticosterone methyl oxidase type II deficiency.

gnomAD v4.1: 1 of 1,613,930 alleles (0.000062%); highest among the groups gnomAD compares: South Asian, 0.0011%; no homozygotes.

Submissions (2):

Natera, Inc.
Classification: Pathogenic for Corticosterone methyl oxidase type II deficiency. Last evaluated: 2026-01-23. Review status: criteria provided, single submitter. Criteria: Natera Variant Classification Schema (03/2026). Collection method: clinical testing. Allele origin: germline.
Comment: The c.240-1G>C variant in CYP11B2 is a canonical splice acceptor site variant predicted to affect pre-mRNA splicing, which may result in an abnormal transcript and altered protein product. This variant is expected to result in nonsense mediated decay, truncation, or a dysfunctional protein product. This variant is rare in the general population with a frequency below the threshold expected for the associated phenotype(s). Another variant at this same site results in an alteration predicted to cause a similar molecular effect has been observed in individual(s) with the associated phenotype. Given the available evidence, this variant is classified as Pathogenic.

Labcorp Genetics (formerly Invitae), Labcorp
Classification: Pathogenic. Last evaluated: 2024-01-22. Review status: criteria provided, single submitter. Criteria: Invitae Variant Classification Sherloc (09022015). Collection method: clinical testing. Allele origin: germline.
Comment: This sequence change affects an acceptor splice site in intron 1 of the CYP11B2 gene. It is expected to disrupt RNA splicing. Variants that disrupt the donor or acceptor splice site typically lead to a loss of protein function (PMID: 16199547), and loss-of-function variants in CYP11B2 are known to be pathogenic (PMID: 20494601, 22801770, 26936515). This variant is present in population databases (no rsID available, gnomAD 0.003%). Disruption of this splice site has been observed in individual(s) with aldosterone synthase deficiency (PMID: 26936515). In at least one individual the data is consistent with being in trans (on the opposite chromosome) from a pathogenic variant. Studies have shown that disruption of this splice site alters mRNA splicing and is expected to lead to the loss of protein expression (PMID: 26936515). For these reasons, this variant has been classified as Pathogenic.

Literature cited by the submitters: PubMed 16199547 (cited by Labcorp Genetics (formerly Invitae), Labcorp); PubMed 20494601 (cited by Labcorp Genetics (formerly Invitae), Labcorp); PubMed 22801770 (cited by Labcorp Genetics (formerly Invitae), Labcorp); PubMed 26936515 (cited by Labcorp Genetics (formerly Invitae), Labcorp).

NM_000498.3(CYP11B2):c.240-1G>C

Genes: CYP11B2 (cytochrome P450 family 11 subfamily B member 2; minus strand), LOC106799834 (CYP11B2 recombination region; plus strand). Cytogenetic location: 8q24.3.
Variant type: single nucleotide variant.
Coding change: c.240-1G>C on transcript NM_000498.3 (MANE Select); the canonical splice acceptor site of the intron before coding-DNA position 240, G replaced by C.
Molecular consequence: splice acceptor variant.
Genome position (GRCh38, 1-based): chr8:142,917,215, C>G on the plus strand (G>C on the coding strand, the complement: CYP11B2 is on the minus strand). VCF-style: chr8-142917215-C-G. GRCh37 (hg19) VCF-style: chr8-143998631-C-G.
Identifiers: ClinVar variation 2871825 (VCV002871825.4), dbSNP rs771164401, ClinGen allele CA372393196.